The following is an entry in ClinVar:

ClinVar aggregate classification (germline): Uncertain significance (1 of 4 stars; one submission).

Conditions:
Brugada syndrome 8 (BRGDA8). Identifiers: Orphanet 130, MedGen C2751083, MONDO:0013148, OMIM 613123.

gnomAD v4.1: 22 of 1,594,244 alleles (0.0014%); highest among the groups gnomAD compares: South Asian, 0.025%; no homozygotes.

Submission:

Labcorp Genetics (formerly Invitae), Labcorp
Classification: Uncertain significance for Brugada syndrome 8. Last evaluated: 2022-01-16. Review status: criteria provided, single submitter. Criteria: Invitae Variant Classification Sherloc (09022015). Collection method: clinical testing. Allele origin: germline.
Comment: In summary, the available evidence is currently insufficient to determine the role of this variant in disease. Therefore, it has been classified as a Variant of Uncertain Significance. Advanced modeling of protein sequence and biophysical properties (such as structural, functional, and spatial information, amino acid conservation, physicochemical variation, residue mobility, and thermodynamic stability) performed at Invitae indicates that this missense variant is not expected to disrupt HCN4 protein function. ClinVar contains an entry for this variant (Variation ID: 1022983). This variant has not been reported in the literature in individuals affected with HCN4-related conditions. This variant is present in population databases (rs776656247, gnomAD 0.02%). This sequence change replaces glycine, which is neutral and non-polar, with valine, which is neutral and non-polar, at codon 811 of the HCN4 protein (p.Gly811Val).

NM_005477.3(HCN4):c.2432G>T (p.Gly811Val)

Gene: HCN4 (hyperpolarization activated cyclic nucleotide gated potassium channel 4; minus strand). Cytogenetic location: 15q24.1.
Variant type: single nucleotide variant.
Coding change: c.2432G>T on transcript NM_005477.3 (MANE Select); coding-DNA position 2432, G replaced by T.
Protein change: p.Gly811Val; replaces glycine 811 with valine.
Molecular consequence: missense variant.
Genome position (GRCh38, 1-based): chr15:73,323,661, C>A on the plus strand (G>T on the coding strand, the complement: HCN4 is on the minus strand). VCF-style: chr15-73323661-C-A. GRCh37 (hg19) VCF-style: chr15-73616002-C-A.
Other names: short protein forms G811V.
Identifiers: ClinVar variation 1022983 (VCV001022983.6), dbSNP rs776656247, ClinGen allele CA7649029.